The following is an entry in ClinVar:

NC_000016.10:g.(?_2058737)_(2093096_?)del

Genes: MIR1225 (microRNA 1225; minus strand), PKD1 (polycystin 1, transient receptor potential channel interacting; minus strand), TSC2 (TSC complex subunit 2; plus strand). Cytogenetic location: 16p13.3.
Variant type: Deletion.
Identifiers: ClinVar variation 832357 (VCV000832357.5).

ClinVar aggregate classification (germline): Pathogenic (1 of 4 stars; one submission).

Conditions:
Tuberous sclerosis 2 (TSC2). Identifiers: Orphanet 805, MedGen C1860707, MONDO:0013199, OMIM 613254.

Submission:

Labcorp Genetics (formerly Invitae), Labcorp
Classification: Pathogenic for Tuberous sclerosis 2. Last evaluated: 2019-11-21. Review status: criteria provided, single submitter. Criteria: Invitae Variant Classification Sherloc (09022015). Collection method: clinical testing. Allele origin: germline.
Comment: This variant disrupts the C-terminus of the TSC2 protein. Other variant(s) that disrupt this region (Deletion (Exons 31-42)) have been determined to be pathogenic (PMID: 17287951, Invitae). This suggests that variants that disrupt this region of the protein are likely to be causative of disease. This variant has not been reported in the literature in individuals with TSC2-related conditions. This variant is a gross deletion of the genomic region encompassing exons 10-42 of the TSC2 gene. The 5' boundary is likely confined to intron 9. The 3' end of this event is unknown as it extends through the termination codon beyond the assayed region for this gene and may encompass additional genes. While this deletion is not anticipated to result in nonsense mediated decay, it is expected to create a truncated protein product or disrupt mRNA translation. For these reasons, this variant has been classified as Pathogenic.

Literature cited by the submitters: PubMed 17287951.